The following is an entry in ClinVar:

NM_000545.8(HNF1A):c.365A>G (p.Tyr122Cys)

Gene: HNF1A (HNF1 homeobox A; plus strand). Cytogenetic location: 12q24.31.
Variant type: single nucleotide variant.
Coding change: c.365A>G on transcript NM_000545.8 (MANE Select); coding-DNA position 365, A replaced by G.
Protein change: p.Tyr122Cys; replaces tyrosine 122 with cysteine.
Molecular consequence: missense variant.
Genome position (GRCh38, 1-based): chr12:120,988,871, A>G. VCF-style: chr12-120988871-A-G. GRCh37 (hg19) VCF-style: chr12-121426674-A-G.
Other names: NM_000545.6(HNF1A):c.365A>G; p.Tyr122Cys; NM_000545.8(HNF1A):c.365A>G; c.365A>G, p.Tyr122Cys (NM_001306179.2); short protein forms Y122C.
Identifiers: ClinVar variation 14930 (VCV000014930.14), dbSNP rs137853237, ClinGen allele CA124457.

ClinVar aggregate classification (germline): Likely pathogenic. Review status: reviewed by expert panel (3 of 4 stars). 4 submissions from 4 submitters: Likely pathogenic (1). 3 of the submissions do not count toward it. Last evaluated 2025-09-02.

Conditions:
Monogenic diabetes. Identifiers: Orphanet 183625, MedGen C3888631, MONDO:0015967.
Maturity-onset diabetes of the young (MODY). Also called: Maturity onset diabetes mellitus in young. Identifiers: Orphanet 552, MedGen C0342276, MONDO:0018911, HP:0004904.
Maturity-onset diabetes of the young type 3. Also called: MODY type 3; MODY, type III. Identifiers: Orphanet 552, MedGen C1838100, MeSH C563933, MONDO:0010894, OMIM 600496. Disease mechanism: loss of function.

Submissions (4):

ClinGen Monogenic Diabetes Variant Curation Expert Panel
Classification: Likely pathogenic for Monogenic diabetes. Last evaluated: 2025-09-02. Review status: reviewed by expert panel. Criteria: ClinGen Diabetes ACMG Specifications HNF1A V3.0.0. Collection method: curation. Allele origin: germline. Inheritance: Autosomal dominant inheritance.
Comment: The c.395A>G variant in the HNF1 homeobox A gene, HNF1A, causes an amino acid change of tyrosine to cysteine at codon 122 (p.(Tyr122Cys)) of NM_000545.8. This variant is located within the DNA binding domain (codons 107-174) of HNF1A, which is defined as critical for the protein’s function by the ClinGen MDEP (PM1_Supporting). This variant is also predicted to be deleterious by computational evidence, with a REVEL score of 0.977, which is greater than the MDEP threshold of 0.70 (PP3). This variant is absent from gnomAD v4.1.0 (PM2_Supporting). This variant was identified in three unrelated individuals with non-autoimmune and non-absolute/near-absolute insulin-deficient diabetes; however, PS4_Moderate cannot be applied because this number is below the ClinGen MDEP threshold and PP4 cannot be applied due to lack of clinical information (PMID: 9097962, internal lab contributors). The variant segregated with diabetes with four informative meioses in one family (PP1_Moderate; PMID: 9097962). Additionally, functional studies demonstrated the p.Tyr122Cys protein has DNA binding and transactivation below 40% of wild type, indicating that this variant impacts protein function (PS3_Supporting, PMID: 10585442). Another missense variant, c.364T>C (p.Tyr122His) has been classified as a VUS by the ClinGen MDEP; therefore, PM5 will not be applied. Taken together, this evidence supports the classification of c.365A>G as likely pathogenic for monogenic diabetes. ACMG/AMP criteria applied, as specified by the ClinGen MDEP VCEP (specification version 3.0.0): PP1_moderate. PP3, PM1_supporting, PM2_supporting, PS3_supporting.

Labcorp Genetics (formerly Invitae), Labcorp
Classification: Pathogenic. Last evaluated: 2022-11-25. Review status: criteria provided, single submitter. Criteria: Invitae Variant Classification Sherloc (09022015). Collection method: clinical testing. Allele origin: germline. Not counted in ClinVar's aggregate classification.
Comment: This missense change has been observed in individual(s) with maturity-onset diabetes of the young (PMID: 9097962). It has also been observed to segregate with disease in related individuals. This variant is not present in population databases (gnomAD no frequency). This sequence change replaces tyrosine, which is neutral and polar, with cysteine, which is neutral and slightly polar, at codon 122 of the HNF1A protein (p.Tyr122Cys). ClinVar contains an entry for this variant (Variation ID: 14930). Algorithms developed to predict the effect of missense changes on protein structure and function (SIFT, PolyPhen-2, Align-GVGD) all suggest that this variant is likely to be disruptive. For these reasons, this variant has been classified as Pathogenic.

Clinical Genomics, Uppaluri K&H Personalized Medicine Clinic
Classification: Likely pathogenic for Maturity-onset diabetes of the young. Review status: criteria provided, single submitter. Criteria: K & H Uppaluri Personalized Medicine Clinic Variant Classification & Assertion Criteria_Updated V.1. Collection method: research. Allele origin: unknown. Inheritance: Autosomal dominant inheritance. Not counted in ClinVar's aggregate classification.
Comment: Mutations in HNF1A gene can predispose to MODY3. It is associated with both micro and macrovascular complications of diabetes, especially cardiovascular complications. Associated with glucosuria. May respond well to sulfonylureas. Sufficient evidence is found to confer the association of this particular variant rs137853237 with MODY3.

OMIM
Classification: Pathogenic for MATURITY-ONSET DIABETES OF THE YOUNG, TYPE 3. Last evaluated: 1997-04-01. Review status: no assertion criteria provided. Collection method: literature only. Allele origin: germline. Not counted in ClinVar's aggregate classification.

Literature cited by the submitters: PubMed 9097962 (cited by 3 submitters); PubMed 10585442 (cited by ClinGen Monogenic Diabetes Variant Curation Expert Panel); PubMed 22413961 (cited by Clinical Genomics, Uppaluri K&H Personalized Medicine Clinic).